The following is an entry in ClinVar:

NM_000077.5(CDKN2A):c.78G>A (p.Glu26=)

Gene: CDKN2A (cyclin dependent kinase inhibitor 2A; minus strand). Cytogenetic location: 9p21.3.
Variant type: single nucleotide variant.
Coding change: c.78G>A on transcript NM_000077.5; coding-DNA position 78, G replaced by A.
Protein change: p.Glu26=; no amino-acid change (glutamic acid 26 retained).
Molecular consequence: synonymous variant (on NM_000077.6). On other transcripts: intron variant (2).
Genome position (GRCh38, 1-based): chr9:21,974,750, C>T on the plus strand (G>A on the coding strand, the complement: CDKN2A is on the minus strand). VCF-style: chr9-21974750-C-T. GRCh37 (hg19) VCF-style: chr9-21974749-C-T.
Other names: c.78G>A, p.Glu26= (NM_000077.6, NM_001195132.2, NM_058197.5); c.-3-3542G>A (NM_001363763.2); c.194-3542G>A (NM_058195.4).
Identifiers: ClinVar variation 1761123 (VCV001761123.4), dbSNP rs2131113016, ClinGen allele CA464100163.

ClinVar aggregate classification (germline): Benign/Likely benign. Review status: criteria provided, multiple submitters, no conflicts (2 of 4 stars). 3 submissions from 3 submitters: Benign (1); Likely benign (2). Last evaluated 2025-08-13.

Conditions:
Hereditary cancer-predisposing syndrome. Also called: Hereditary Cancer Syndrome; Hereditary neoplastic syndrome; Neoplastic Syndromes, Hereditary; Tumor predisposition. Identifiers: Orphanet 140162, MedGen C0027672, MeSH D009386, MONDO:0015356.
Familial melanoma. Also called: Hereditary cutaneous melanoma; Hereditary melanoma. Identifiers: Orphanet 618, MedGen C1512419, MONDO:0018961.
Melanoma-pancreatic cancer syndrome. Identifiers: Orphanet 404560, MedGen C1838547, MONDO:0011713, OMIM 606719. Disease mechanism: loss of function.

Allele frequency attached by ClinVar (database versions not stated): gnomAD exomes below 0.00001.
gnomAD v4.1: 1 of 1,611,286 alleles (0.000062%); highest among the groups gnomAD compares: Non-Finnish European, 0.000085%; no homozygotes.

Submissions (3):

Myriad Genetics, Inc.
Classification: Benign for Melanoma-pancreatic cancer syndrome. Last evaluated: 2025-08-13. Review status: criteria provided, single submitter. Criteria: Myriad Autosomal Dominant, Autosomal Recessive and X-Linked Classification Criteria (2023). Collection method: clinical testing. Allele origin: unknown.
Comment: This variant is considered benign. This variant is a silent/synonymous amino acid change and it is not expected to impact splicing.

Labcorp Genetics (formerly Invitae), Labcorp
Classification: Likely benign for Familial melanoma. Last evaluated: 2025-03-05. Review status: criteria provided, single submitter. Criteria: Invitae Variant Classification Sherloc (09022015). Collection method: clinical testing. Allele origin: germline.

Ambry Genetics
Classification: Likely benign for Hereditary cancer-predisposing syndrome. Last evaluated: 2021-02-20. Review status: criteria provided, single submitter. Criteria: Ambry Variant Classification Scheme 2023. Collection method: clinical testing. Allele origin: germline.